The following is an entry in ClinVar:

ClinVar aggregate classification (germline): Uncertain significance (1 of 4 stars; one submission).

Submission:

GeneDx
Classification: Uncertain significance. Last evaluated: 2026-03-28. Review status: criteria provided, single submitter. Criteria: GeneDx Variant Classification Process June 2021. Collection method: clinical testing. Allele origin: germline.
Comment: Not observed at significant frequency in large population cohorts (gnomAD); In silico analysis suggests that this missense variant does not alter protein structure/function; Has not been previously published as pathogenic or benign to our knowledge

NM_001366145.2(TRPM3):c.3905C>G (p.Thr1302Arg)

Genes: KLF9-DT (KLF9 divergent transcript; plus strand), TRPM3 (transient receptor potential cation channel subfamily M member 3; minus strand). Cytogenetic location: 9q21.12.
Variant type: single nucleotide variant.
Coding change: c.3905C>G on transcript NM_001366145.2 (MANE Select); coding-DNA position 3905, C replaced by G.
Protein change: p.Thr1302Arg; replaces threonine 1302 with arginine.
Molecular consequence: missense variant.
Genome position (GRCh38, 1-based): chr9:70,537,208, G>C on the plus strand (C>G on the coding strand, the complement: TRPM3 is on the minus strand). VCF-style: chr9-70537208-G-C. GRCh37 (hg19) VCF-style: chr9-73152124-G-C.
Other names: c.3869C>G, p.Thr1290Arg (NM_001007471.4, NM_001366151.2); c.3875C>G, p.Thr1292Arg (NM_001366141.2, NM_001366143.2, NM_001366149.2); c.3911C>G, p.Thr1304Arg (NM_001366142.2); c.3905C>G, p.Thr1302Arg (NM_001366146.2); c.3980C>G, p.Thr1327Arg (NM_001366147.2, NM_001366152.2); c.3950C>G, p.Thr1317Arg (NM_001366148.2); c.3839C>G, p.Thr1280Arg (NM_001366150.2); c.3446C>G, p.Thr1149Arg (NM_001366154.2, NM_024971.7); and 5 more; short protein forms T1127R, T1137R, T1139R, T1149R, T1152R, T1162R, T1280R, T1290R.
Identifiers: ClinVar variation 5017384 (VCV005017384.1).